The following is an entry in ClinVar:

ClinVar aggregate classification (germline): Uncertain significance (1 of 4 stars; one submission).

Conditions:
Combined oxidative phosphorylation defect type 27. Also called: Combined oxidative phosphorylation deficiency 27. Identifiers: Orphanet 477774, MedGen C5567608, MONDO:0014728, OMIM 616672.

Submission:

Labcorp Genetics (formerly Invitae), Labcorp
Classification: Uncertain significance for Combined oxidative phosphorylation defect type 27. Last evaluated: 2022-08-23. Review status: criteria provided, single submitter. Criteria: Invitae Variant Classification Sherloc (09022015). Collection method: clinical testing. Allele origin: germline.
Comment: This sequence change replaces phenylalanine, which is neutral and non-polar, with serine, which is neutral and polar, at codon 108 of the CARS2 protein (p.Phe108Ser). This variant is present in population databases (no rsID available, gnomAD 0.009%). This variant has not been reported in the literature in individuals affected with CARS2-related conditions. ClinVar contains an entry for this variant (Variation ID: 1400008). Algorithms developed to predict the effect of missense changes on protein structure and function (SIFT, PolyPhen-2, Align-GVGD) all suggest that this variant is likely to be disruptive. In summary, the available evidence is currently insufficient to determine the role of this variant in disease. Therefore, it has been classified as a Variant of Uncertain Significance.

NM_024537.4(CARS2):c.323T>C (p.Phe108Ser)

Gene: CARS2 (cysteinyl-tRNA synthetase 2, mitochondrial; minus strand). Cytogenetic location: 13q34.
Variant type: single nucleotide variant.
Coding change: c.323T>C on transcript NM_024537.4 (MANE Select); coding-DNA position 323, T replaced by C.
Protein change: p.Phe108Ser; replaces phenylalanine 108 with serine.
Molecular consequence: missense variant. On other transcripts: 5 prime UTR variant (1), non-coding transcript variant (2).
Genome position (GRCh38, 1-based): chr13:110,701,508, A>G on the plus strand (T>C on the coding strand, the complement: CARS2 is on the minus strand). VCF-style: chr13-110701508-A-G. GRCh37 (hg19) VCF-style: chr13-111353855-A-G.
Other names: c.-677T>C (NM_001352252.2); c.323T>C, p.Phe108Ser (NM_001352253.3); short protein forms F108S.
Identifiers: ClinVar variation 1400008 (VCV001400008.3), dbSNP rs201577762, ClinGen allele CA388741141.